The following is an entry in ClinVar:

ClinVar aggregate classification (germline): Conflicting classifications of pathogenicity. Review status: criteria provided, conflicting classifications (1 of 4 stars). 3 submissions from 3 submitters: Uncertain significance (1); Likely benign (2). Last evaluated 2024-08-14.

Conditions:
Intellectual disability. Also called: Intellectual developmental disorder; Intellectual functioning disability; intellectual disabilities. Identifiers: MedGen C3714756, MeSH D008607, MONDO:0001071, HP:0001249.
TREX1-related disorder. Also called: TREX1-related condition; TREX1-related disorders. Identifiers: MedGen CN239414.

Allele frequency attached by ClinVar (database versions not stated): ExAC 0.00011; TOPMed 0.00016; gnomAD 0.00022; ESP Exome Variant Server 0.00024; gnomAD exomes 0.00025.
gnomAD v4.1: 391 of 1,613,834 alleles (0.024%); highest among the groups gnomAD compares: Non-Finnish European, 0.032%; no homozygotes.

Submissions (3):

Blueprint Genetics
Classification: Likely benign. Last evaluated: 2024-08-14. Review status: criteria provided, single submitter. Criteria: ACMG Guidelines, 2015. Collection method: clinical testing. Allele origin: germline.

PreventionGenetics, part of Exact Sciences
Classification: Uncertain significance for TREX1-related condition. Last evaluated: 2022-11-19. Review status: criteria provided, single submitter. Criteria: ACMG Guidelines, 2015. Collection method: clinical testing. Allele origin: germline.
Comment: The TREX1 c.44G>A variant is predicted to result in the amino acid substitution p.Arg15Lys. To our knowledge, this variant has not been reported in the literature. This variant is reported in 0.021% of alleles in individuals of European (Non-Finnish) descent in gnomAD. At this time, the clinical significance of this variant is uncertain due to the absence of conclusive functional and genetic evidence.

Cambridge Genomics Laboratory, East Genomic Laboratory Hub, NHS Genomic Medicine Service
Classification: Likely benign for Intellectual disability. Last evaluated: 2019-04-17. Review status: criteria provided, single submitter. Criteria: ACGS Best Practice Guidelines for Variant Classification in Rare Disease 2020. Collection method: clinical testing. Allele origin: germline. Affected: yes. Observed: 1 variant allele.

NM_033629.6(TREX1):c.-26-96G>A

Genes: ATRIP (ATR interacting protein; plus strand), ATRIP-TREX1 (ATRIP-TREX1 readthrough; plus strand), TREX1 (three prime repair exonuclease 1; plus strand). Cytogenetic location: 3p21.31.
Variant type: single nucleotide variant.
Coding change: c.-26-96G>A on transcript NM_033629.6 (MANE Select); 96 bases into the intron before 26 bases upstream of the start codon, G replaced by A.
Molecular consequence: intron variant. On other transcripts: 3 prime UTR variant (4).
Genome position (GRCh38, 1-based): chr3:48,466,534, G>A. VCF-style: chr3-48466534-G-A. GRCh37 (hg19) VCF-style: chr3-48507933-G-A.
Other names: NM_016381.5:c.44G>A; c.*980G>A (NM_001271022.2, NM_001271023.2, NM_032166.4 and 1 more transcripts); c.-18-134G>A (NM_007248.5).
Identifiers: ClinVar variation 2634861 (VCV002634861.3), dbSNP rs200440528, ClinGen allele CA2376510.